The following is an entry in ClinVar:

ClinVar aggregate classification (germline): Likely benign (0 of 4 stars; one submission).

Conditions:
AP1B1-related disorder. Also called: AP1B1-related condition.

gnomAD v4.1: 100 of 1,613,896 alleles (0.0062%); highest among the groups gnomAD compares: Non-Finnish European, 0.0083%; no homozygotes.

Submission:

PreventionGenetics, part of Exact Sciences
Classification: Likely benign for AP1B1-related condition. Last evaluated: 2024-08-13. Review status: no assertion criteria provided. Collection method: clinical testing. Allele origin: germline.
Comment: This variant is classified as likely benign based on ACMG/AMP sequence variant interpretation guidelines (Richards et al. 2015 PMID: 25741868, with internal and published modifications).

NM_001127.4(AP1B1):c.1119T>C (p.Ala373=)

Gene: AP1B1 (adaptor related protein complex 1 subunit beta 1; minus strand). Cytogenetic location: 22q12.2.
Variant type: single nucleotide variant.
Coding change: c.1119T>C on transcript NM_001127.4 (MANE Select); coding-DNA position 1119, T replaced by C.
Protein change: p.Ala373=; no amino-acid change (alanine 373 retained).
Molecular consequence: synonymous variant.
Genome position (GRCh38, 1-based): chr22:29,351,207, A>G on the plus strand (T>C on the coding strand, the complement: AP1B1 is on the minus strand). VCF-style: chr22-29351207-A-G. GRCh37 (hg19) VCF-style: chr22-29747196-A-G.
Other names: c.1119T>C, p.Ala373= (NM_001166019.2, NM_001378562.1, NM_001378563.1 and 2 more transcripts); c.948T>C, p.Ala316= (NM_001378564.1, NM_001378565.1).
Identifiers: ClinVar variation 3358172 (VCV003358172.1).